The following is an entry in ClinVar:

ClinVar aggregate classification (germline): Uncertain significance. Review status: criteria provided, multiple submitters, no conflicts (2 of 4 stars). 3 submissions from 3 submitters: Uncertain significance (3). Last evaluated 2024-06-14.

Conditions:
Fanconi anemia (FA). Also called: Fanconi's anemia. Identifiers: Orphanet 84, MedGen C0015625, MeSH D005199, MONDO:0019391.
Fanconi anemia complementation group I (FANCI). Also called: FANCI-Related Fanconi Anemia. Identifiers: Orphanet 84, MedGen C1836861, MONDO:0012186, OMIM 609053.

Allele frequency attached by ClinVar (database versions not stated): ExAC 0.00002; TOPMed 0.00006; ESP Exome Variant Server 0.00008; gnomAD 0.00009.
gnomAD v4.1: 186 of 1,614,032 alleles (0.012%); highest among the groups gnomAD compares: Non-Finnish European, 0.015%; no homozygotes.

Submissions (3):

Fulgent Genetics
Classification: Uncertain significance for Fanconi anemia complementation group I. Last evaluated: 2024-06-14. Review status: criteria provided, single submitter. Criteria: ACMG Guidelines, 2015. Collection method: clinical testing. Allele origin: germline.

Labcorp Genetics (formerly Invitae), Labcorp
Classification: Uncertain significance for Fanconi anemia. Last evaluated: 2022-01-26. Review status: criteria provided, single submitter. Criteria: Invitae Variant Classification Sherloc (09022015). Collection method: clinical testing. Allele origin: germline.
Comment: This sequence change replaces glycine, which is neutral and non-polar, with arginine, which is basic and polar, at codon 1156 of the FANCI protein (p.Gly1156Arg). This variant is present in population databases (rs200026076, gnomAD 0.007%). This missense change has been observed in individual(s) with breast cancer (PMID: 30303537). ClinVar contains an entry for this variant (Variation ID: 641227). Algorithms developed to predict the effect of missense changes on protein structure and function are either unavailable or do not agree on the potential impact of this missense change (SIFT: "Deleterious"; PolyPhen-2: "Probably Damaging"; Align-GVGD: "Class C15"). In summary, the available evidence is currently insufficient to determine the role of this variant in disease. Therefore, it has been classified as a Variant of Uncertain Significance.

Illumina Laboratory Services, Illumina
Classification: Uncertain significance for Fanconi anemia complementation group I. Last evaluated: 2019-02-20. Review status: criteria provided, single submitter. Criteria: ICSLVariantClassificationCriteria RUGD 01 April 2020. Collection method: clinical testing. Allele origin: unknown.
Comment: The FANCI c.3466G>C (p.Gly1156Arg) variant is a missense variant. A literature search was performed for the gene, cDNA change, and amino acid change. No publications were found based on this search. This variant is found at a frequency of 0.000070 in the European (Non-Finnish) population of the Genome Aggregation Database. Based on the limited evidence, the p.Gly1156Arg variant is classified as a variant of uncertain significance for Fanconi anemia.

Literature cited by the submitters: PubMed 30303537 (cited by Labcorp Genetics (formerly Invitae), Labcorp).

NM_001113378.2(FANCI):c.3466G>C (p.Gly1156Arg)

Gene: FANCI (FA complementation group I; plus strand). Cytogenetic location: 15q26.1.
Variant type: single nucleotide variant.
Coding change: c.3466G>C on transcript NM_001113378.2 (MANE Select); coding-DNA position 3466, G replaced by C.
Protein change: p.Gly1156Arg; replaces glycine 1156 with arginine.
Molecular consequence: missense variant.
Genome position (GRCh38, 1-based): chr15:89,306,123, G>C. VCF-style: chr15-89306123-G-C. GRCh37 (hg19) VCF-style: chr15-89849354-G-C.
Other names: c.3187G>C, p.Gly1063Arg (NM_001376910.1); c.3466G>C, p.Gly1156Arg (NM_001376911.1); c.3286G>C, p.Gly1096Arg (NM_018193.3); short protein forms G1156R, G1096R, G1063R.
Identifiers: ClinVar variation 641227 (VCV000641227.10), dbSNP rs200026076, ClinGen allele CA7723726.
Genomic context (GRCh38, chr15:89,306,123, plus strand): 5'-ATGCAACTGGGAACTCTGCTTACATTTTTCCACGAGCTGGTGCAGACAGCTCTGCCATCA[G>C]GCAGCTGTGTGGACACCTTGTTAAAGGACTTGTGCAAAATGTACACCACACTTACAGCCC-3'
Protein context (NP_001106849.1, residues 1146-1166): HELVQTALPS[Gly1156Arg]SCVDTLLKDL